The following is an entry in ClinVar:

ClinVar aggregate classification (germline): Pathogenic. Review status: criteria provided, single submitter (1 of 4 stars). 2 submissions from 2 submitters: Pathogenic (1). 1 of the submissions does not count toward it. Last evaluated 2023-11-06.

Conditions:
Childhood hypophosphatasia. Identifiers: Orphanet 247667, Orphanet 436, MedGen C0220743, MONDO:1010168, OMIM 241510, MONDO:0009428.

Submissions (2):

Labcorp Genetics (formerly Invitae), Labcorp
Classification: Pathogenic. Last evaluated: 2023-11-06. Review status: criteria provided, single submitter. Criteria: Invitae Variant Classification Sherloc (09022015). Collection method: clinical testing. Allele origin: germline.
Comment: This sequence change creates a premature translational stop signal (p.Ser356Leufs*37) in the PHEX gene. It is expected to result in an absent or disrupted protein product. Loss-of-function variants in PHEX are known to be pathogenic (PMID: 9097956, 9106524, 19219621). This variant is not present in population databases (gnomAD no frequency). This premature translational stop signal has been observed in individual(s) with X-linked hypophosphatemia (PMID: 32253725). For these reasons, this variant has been classified as Pathogenic.

Department of Pediatric Endocrinology, Shriners Hospitals for Children - Mexico City
No classification provided. Condition: Childhood hypophosphatasia. Review status: no classification provided. Collection method: phenotyping only. Allele origin: germline. Inheritance: X-linked dominant inheritance. Affected: yes. Observed: 1 variant allele. Not counted in ClinVar's aggregate classification.

Literature cited by the submitters: PubMed 9097956 (cited by Labcorp Genetics (formerly Invitae), Labcorp); PubMed 9106524 (cited by Labcorp Genetics (formerly Invitae), Labcorp); PubMed 19219621 (cited by Labcorp Genetics (formerly Invitae), Labcorp); PubMed 32253725 (cited by Labcorp Genetics (formerly Invitae), Labcorp).

NM_000444.6(PHEX):c.1065del (p.Ser356fs)

Gene: PHEX (phosphate regulating endopeptidase X-linked; plus strand). Cytogenetic location: Xp22.11.
Variant type: Deletion.
Coding change: c.1065del on transcript NM_000444.6 (MANE Select); coding-DNA position 1065, one base deleted (G; older notation c.1065delG).
Protein change: p.Ser356fs; shifts the reading frame from serine 356.
Molecular consequence: frameshift variant.
Genome position (GRCh38, 1-based): chrX:22,099,137, G deleted; the last of 3 consecutive G bases (chrX:22,099,135-22,099,137); deleting any one gives the same sequence. VCF-style (leftmost placement, unchanged base first): chrX-22099134-AG-A. GRCh37 (hg19) VCF-style: chrX-22117252-AG-A.
Other names: c.1065del, p.Ser356fs (NM_001282754.2); short protein forms S356fs.
Identifiers: ClinVar variation 2982435 (VCV002982435.4), dbSNP rs2519780113, ClinGen allele CA2695231521.